The following is an entry in ClinVar:

NM_006282.5(STK4):c.1031C>T (p.Ala344Val)

Gene: STK4 (serine/threonine kinase 4; plus strand). Cytogenetic location: 20q13.12.
Variant type: single nucleotide variant.
Coding change: c.1031C>T on transcript NM_006282.5 (MANE Select); coding-DNA position 1031, C replaced by T.
Protein change: p.Ala344Val; replaces alanine 344 with valine.
Molecular consequence: missense variant.
Genome position (GRCh38, 1-based): chr20:45,001,237, C>T. VCF-style: chr20-45001237-C-T. GRCh37 (hg19) VCF-style: chr20-43629878-C-T.
Other names: c.1031C>T, p.Ala344Val (NM_001352385.2); short protein forms A344V.
Identifiers: ClinVar variation 473298 (VCV000473298.9), dbSNP rs776978911, ClinGen allele CA409126640.

ClinVar aggregate classification (germline): Uncertain significance (1 of 4 stars; one submission).

Conditions:
Combined immunodeficiency due to STK4 deficiency (IMD110). Also called: T-cell immunodeficiency, recurrent infections, and autoimmunity with or without cardiac malformations; STK4 DEFICIENCY; MST1 DEFICIENCY. Identifiers: Orphanet 314689, MedGen C3553943, MONDO:0013934, OMIM 614868.

Submission:

Labcorp Genetics (formerly Invitae), Labcorp
Classification: Uncertain significance for Combined immunodeficiency due to STK4 deficiency. Last evaluated: 2022-08-23. Review status: criteria provided, single submitter. Criteria: Invitae Variant Classification Sherloc (09022015). Collection method: clinical testing. Allele origin: germline.
Comment: This sequence change replaces alanine, which is neutral and non-polar, with valine, which is neutral and non-polar, at codon 344 of the STK4 protein (p.Ala344Val). Advanced modeling of protein sequence and biophysical properties (such as structural, functional, and spatial information, amino acid conservation, physicochemical variation, residue mobility, and thermodynamic stability) performed at Invitae indicates that this missense variant is not expected to disrupt STK4 protein function. ClinVar contains an entry for this variant (Variation ID: 473298). This variant has not been reported in the literature in individuals affected with STK4-related conditions. This variant is not present in population databases (gnomAD no frequency). In summary, the available evidence is currently insufficient to determine the role of this variant in disease. Therefore, it has been classified as a Variant of Uncertain Significance.